The following is an entry in ClinVar:

NM_001267550.2(TTN):c.97151T>C (p.Val32384Ala)

Genes: TTN (titin; minus strand), TTN-AS1 (TTN antisense RNA 1; plus strand). Cytogenetic location: 2q31.2.
Variant type: single nucleotide variant.
Coding change: c.97151T>C on transcript NM_001267550.2 (MANE Select); coding-DNA position 97151, T replaced by C.
Protein change: p.Val32384Ala; replaces valine 32384 with alanine.
Molecular consequence: missense variant.
Genome position (GRCh38, 1-based): chr2:178,542,703, A>G on the plus strand (T>C on the coding strand, the complement: TTN is on the minus strand). VCF-style: chr2-178542703-A-G. GRCh37 (hg19) VCF-style: chr2-179407430-A-G.
Other names: p.V30743A:GTT>GCT; c.92228T>C, p.Val30743Ala (NM_001256850.1); c.69956T>C, p.Val23319Ala (NM_003319.4); c.89447T>C, p.Val29816Ala (NM_133378.4); c.70331T>C, p.Val23444Ala (NM_133432.3); c.70532T>C, p.Val23511Ala (NM_133437.4); short protein forms V30743A, V32384A, V23511A, V23319A, V23444A, V29816A.
Identifiers: ClinVar variation 203025 (VCV000203025.2), dbSNP rs794729543, ClinGen allele CA311013.

ClinVar aggregate classification (germline): Uncertain significance (1 of 4 stars; one submission).

Submission:

GeneDx
Classification: Uncertain significance. Last evaluated: 2013-05-06. Review status: criteria provided, single submitter. Criteria: GeneDx Variant Classification (06012015). Collection method: clinical testing. Allele origin: germline. Affected: yes.
Comment: Missense variants in the TTN gene are considered 'unclassified' if they are not previously reported in the literature and do not have >1% frequency in the population to be considered a polymorphism. Research indicates that truncating mutations in the TTN gene are expected to account for approximately 25% of familial and 18% of sporadic idiopathic DCM; however, truncating variants in the TTN gene have been reported in approximately 3% of reported control alleles. There has been little investigation into non-truncating variants. (Herman D et al. Truncations of titin causing dilated cardiomyopathy. N Eng J Med 366:619-628, 2012) The variant is found in DCM panel(s).